The following is an entry in ClinVar:

ClinVar aggregate classification (germline): Uncertain significance. Review status: criteria provided, multiple submitters, no conflicts (2 of 4 stars). 2 submissions from 2 submitters: Uncertain significance (2). Last evaluated 2025-10-23.

Conditions:
ACOX2-related disorder. Also called: ACOX2-related condition.

gnomAD v4.1: 95 of 1,614,064 alleles (0.0059%); highest among the groups gnomAD compares: Admixed American, 0.012%; no homozygotes.

Submissions (2):

PreventionGenetics, part of Exact Sciences
Classification: Uncertain significance for ACOX2-related condition. Last evaluated: 2025-10-23. Review status: criteria provided, single submitter. Criteria: ACMG Guidelines, 2015. Collection method: clinical testing. Allele origin: germline.
Comment: The ACOX2 c.449C>T variant is predicted to result in the amino acid substitution p.Thr150Met. To our knowledge, this variant has not been reported in the literature. This variant is reported in 0.0056% of alleles in individuals of Latino descent in gnomAD. At this time, the clinical significance of this variant is uncertain due to the absence of conclusive functional and genetic evidence.

Ambry Genetics
Classification: Uncertain significance. Last evaluated: 2024-03-25. Review status: criteria provided, single submitter. Criteria: Ambry Variant Classification Scheme 2023. Collection method: clinical testing. Allele origin: germline.

NM_003500.4(ACOX2):c.449C>T (p.Thr150Met)

Gene: ACOX2 (acyl-CoA oxidase 2; minus strand). Cytogenetic location: 3p14.3.
Variant type: single nucleotide variant.
Coding change: c.449C>T on transcript NM_003500.4 (MANE Select); coding-DNA position 449, C replaced by T.
Protein change: p.Thr150Met; replaces threonine 150 with methionine.
Molecular consequence: missense variant.
Genome position (GRCh38, 1-based): chr3:58,534,020, G>A on the plus strand (C>T on the coding strand, the complement: ACOX2 is on the minus strand). VCF-style: chr3-58534020-G-A. GRCh37 (hg19) VCF-style: chr3-58519747-G-A.
Other names: short protein forms T150M.
Identifiers: ClinVar variation 3262150 (VCV003262150.2).